The following is an entry in ClinVar:

ClinVar aggregate classification (germline): Uncertain significance. Review status: criteria provided, multiple submitters, no conflicts (2 of 4 stars). 2 submissions from 2 submitters: Uncertain significance (2). Last evaluated 2025-07-24.

Conditions:
Hereditary cancer-predisposing syndrome. Also called: Neoplastic Syndromes, Hereditary; Tumor predisposition; Hereditary Cancer Syndrome; Hereditary neoplastic syndrome. Identifiers: Orphanet 140162, MedGen C0027672, MeSH D009386, MONDO:0015356.

Submissions (2):

Ambry Genetics
Classification: Uncertain significance for Hereditary cancer-predisposing syndrome. Last evaluated: 2025-07-24. Review status: criteria provided, single submitter. Criteria: Ambry Variant Classification Scheme 2023. Collection method: clinical testing. Allele origin: germline.
Comment: The c.4729-3C>T intronic variant results from a C to T substitution 3 nucleotides upstream from coding exon 37 in the POLE gene. This nucleotide position is well conserved in available vertebrate species. In silico splice site analysis predicts that this alteration will not have any significant effect on splicing. Based on the available evidence, the clinical significance of this variant remains unclear.

Labcorp Genetics (formerly Invitae), Labcorp
Classification: Uncertain significance. Last evaluated: 2022-10-05. Review status: criteria provided, single submitter. Criteria: Invitae Variant Classification Sherloc (09022015). Collection method: clinical testing. Allele origin: germline.
Comment: In summary, the available evidence is currently insufficient to determine the role of this variant in disease. Therefore, it has been classified as a Variant of Uncertain Significance. Variants that disrupt the consensus splice site are a relatively common cause of aberrant splicing (PMID: 17576681, 9536098). Algorithms developed to predict the effect of sequence changes on RNA splicing suggest that this variant is not likely to affect RNA splicing. ClinVar contains an entry for this variant (Variation ID: 1026485). This variant has not been reported in the literature in individuals affected with POLE-related conditions. This variant is not present in population databases (gnomAD no frequency). This sequence change falls in intron 36 of the POLE gene. It does not directly change the encoded amino acid sequence of the POLE protein. It affects a nucleotide within the consensus splice site.

Literature cited by the submitters: PubMed 17576681 (cited by Labcorp Genetics (formerly Invitae), Labcorp); PubMed 9536098 (cited by Labcorp Genetics (formerly Invitae), Labcorp).

NM_006231.4(POLE):c.4729-3C>T

Gene: POLE (DNA polymerase epsilon, catalytic subunit; minus strand). Cytogenetic location: 12q24.33.
Variant type: single nucleotide variant.
Coding change: c.4729-3C>T on transcript NM_006231.4 (MANE Select); 3 bases into the intron before coding-DNA position 4729, C replaced by T.
Molecular consequence: intron variant.
Genome position (GRCh38, 1-based): chr12:132,642,732, G>A on the plus strand (C>T on the coding strand, the complement: POLE is on the minus strand). VCF-style: chr12-132642732-G-A. GRCh37 (hg19) VCF-style: chr12-133219318-G-A.
Other names: c.4729-3C>T (NM_006231.2).
Identifiers: ClinVar variation 1026485 (VCV001026485.7), dbSNP rs2042177844, ClinGen allele CA2072988551.
Genomic context (GRCh38, chr12:132,642,732, plus strand): 5'-GCCTCTTCAGCTCCCAGCTGGACTGAACAGCGATGAGTGTGGGCCCCCGGCGCTCCTCCT[G>A]GGTCAAGGCAAAATGGAAGAAAAGACCTGGGTGGACCCAGCCTCAAAGAAGATGGGGCTC-3'